The following is an entry in ClinVar:

NM_017946.4(FKBP14):c.632T>C (p.Leu211Ser)

Genes: FKBP14 (FKBP prolyl isomerase 14; minus strand), FKBP14-AS1 (FKBP14 antisense RNA 1; plus strand). Cytogenetic location: 7p14.3.
Variant type: single nucleotide variant.
Coding change: c.632T>C on transcript NM_017946.4 (MANE Select); coding-DNA position 632, T replaced by C.
Protein change: p.Leu211Ser; replaces leucine 211 with serine.
Molecular consequence: missense variant. On other transcripts: non-coding transcript variant (2).
Genome position (GRCh38, 1-based): chr7:30,014,739, A>G on the plus strand (T>C on the coding strand, the complement: FKBP14 is on the minus strand). VCF-style: chr7-30014739-A-G. GRCh37 (hg19) VCF-style: chr7-30054355-A-G.
Other names: c.632T>C (NM_017946.2); short protein forms L211S.
Identifiers: ClinVar variation 1904530 (VCV001904530.5), dbSNP rs1252646088, ClinGen allele CA367116116.

ClinVar aggregate classification (germline): Uncertain significance. Review status: criteria provided, multiple submitters, no conflicts (2 of 4 stars). 2 submissions from 2 submitters: Uncertain significance (2). Last evaluated 2025-08-19.

Conditions:
Cardiovascular phenotype. Identifiers: MedGen CN230736.
Ehlers-Danlos syndrome, kyphoscoliotic type, 2. Also called: FKBP14-Kyphoscoliotic Ehlers-Danlos Syndrome; Ehlers-Danlos syndrome with progressive kyphoscoliosis, myopathy, and hearing loss; Ehlers-Danlos syndrome, kyphoscoliotic and deafness type. Identifiers: Orphanet 300179, MedGen C3281160, MONDO:0013800, OMIM 614557.

Allele frequency attached by ClinVar (database versions not stated): TOPMed below 0.00001; gnomAD exomes 0.00001.
gnomAD v4.1: 10 of 1,591,212 alleles (0.00063%); highest among the groups gnomAD compares: Non-Finnish European, 0.00085%; no homozygotes.

Submissions (2):

Ambry Genetics
Classification: Uncertain significance for Cardiovascular phenotype. Last evaluated: 2025-08-19. Review status: criteria provided, single submitter. Criteria: Ambry Variant Classification Scheme 2023. Collection method: clinical testing. Allele origin: germline.
Comment: The p.L211S variant (also known as c.632T>C), located in coding exon 4 of the FKBP14 gene, results from a T to C substitution at nucleotide position 632. The leucine at codon 211 is replaced by serine, an amino acid with dissimilar properties. This amino acid position is conserved. In addition, the in silico prediction for this alteration is inconclusive. Based on the available evidence, the clinical significance of this variant remains unclear.

Labcorp Genetics (formerly Invitae), Labcorp
Classification: Uncertain significance for Ehlers-Danlos syndrome, kyphoscoliotic type, 2. Last evaluated: 2022-05-19. Review status: criteria provided, single submitter. Criteria: Invitae Variant Classification Sherloc (09022015). Collection method: clinical testing. Allele origin: germline.
Comment: In summary, the available evidence is currently insufficient to determine the role of this variant in disease. Therefore, it has been classified as a Variant of Uncertain Significance. Algorithms developed to predict the effect of missense changes on protein structure and function are either unavailable or do not agree on the potential impact of this missense change (SIFT: "Deleterious"; PolyPhen-2: "Probably Damaging"; Align-GVGD: "Class C0"). This variant has not been reported in the literature in individuals affected with FKBP14-related conditions. This variant is not present in population databases (gnomAD no frequency). This sequence change replaces leucine, which is neutral and non-polar, with serine, which is neutral and polar, at codon 211 of the FKBP14 protein (p.Leu211Ser).